The following is an entry in ClinVar:

ClinVar aggregate classification (germline): Uncertain significance. Review status: criteria provided, multiple submitters, no conflicts (2 of 4 stars). 2 submissions from 2 submitters: Uncertain significance (2). Last evaluated 2023-12-29.

Conditions:
SHANK3-related disorder. Also called: SHANK3-related condition.

Allele frequency attached by ClinVar (database versions not stated): TOPMed below 0.00001.

Submissions (2):

GeneDx
Classification: Uncertain significance. Last evaluated: 2023-12-29. Review status: criteria provided, single submitter. Criteria: GeneDx Variant Classification Process June 2021. Collection method: clinical testing. Allele origin: germline. Affected: yes.
Comment: In silico analysis supports that this missense variant has a deleterious effect on protein structure/function; Has not been previously published as pathogenic or benign to our knowledge

PreventionGenetics, part of Exact Sciences
Classification: Uncertain significance for SHANK3-related condition. Last evaluated: 2022-12-13. Review status: criteria provided, single submitter. Criteria: ACMG Guidelines, 2015. Collection method: clinical testing. Allele origin: germline.
Comment: The SHANK3 c.4727C>G variant is predicted to result in the amino acid substitution p.Pro1576Arg. To our knowledge, this variant has not been reported in the literature or in a large population database, indicating this variant is rare. At this time, the clinical significance of this variant is uncertain due to the absence of conclusive functional and genetic evidence.

NM_001372044.2(SHANK3):c.4952C>G (p.Pro1651Arg)

Gene: SHANK3 (SH3 and multiple ankyrin repeat domains 3; plus strand). Cytogenetic location: 22q13.33.
Variant type: single nucleotide variant.
Coding change: c.4952C>G on transcript NM_001372044.2 (MANE Select); coding-DNA position 4952, C replaced by G.
Protein change: p.Pro1651Arg; replaces proline 1651 with arginine.
Molecular consequence: missense variant.
Genome position (GRCh38, 1-based): chr22:50,730,843, C>G. VCF-style: chr22-50730843-C-G. GRCh37 (hg19) VCF-style: chr22-51169271-C-G.
Other names: c.4727C>G, p.Pro1576Arg (NM_033517.1); short protein forms P1576R, P1651R.
Identifiers: ClinVar variation 2635367 (VCV002635367.2), dbSNP rs2083358971, ClinGen allele CA515266626.